The following is an entry in ClinVar:

NM_001291303.3(FAT4):c.13163C>T (p.Ser4388Phe)

Gene: FAT4 (FAT atypical cadherin 4; plus strand). Cytogenetic location: 4q28.1.
Variant type: single nucleotide variant.
Coding change: c.13163C>T on transcript NM_001291303.3 (MANE Select); coding-DNA position 13163, C replaced by T.
Protein change: p.Ser4388Phe; replaces serine 4388 with phenylalanine.
Molecular consequence: missense variant.
Genome position (GRCh38, 1-based): chr4:125,489,979, C>T. VCF-style: chr4-125489979-C-T. GRCh37 (hg19) VCF-style: chr4-126411134-C-T.
Other names: c.13160C>T, p.Ser4387Phe (NM_001291285.3); c.13157C>T, p.Ser4386Phe (NM_024582.6); short protein forms S4387F, S4388F, S4386F.
Identifiers: ClinVar variation 3688274 (VCV003688274.2).

ClinVar aggregate classification (germline): Uncertain significance (1 of 4 stars; one submission).

gnomAD v4.1: 13 of 1,609,854 alleles (0.00081%); highest among the groups gnomAD compares: Non-Finnish European, 0.001%; no homozygotes.

Submission:

Labcorp Genetics (formerly Invitae), Labcorp
Classification: Uncertain significance. Last evaluated: 2025-08-11. Review status: criteria provided, single submitter. Criteria: Invitae Variant Classification Sherloc (09022015). Collection method: clinical testing. Allele origin: germline.
Comment: This sequence change replaces serine, which is neutral and polar, with phenylalanine, which is neutral and non-polar, at codon 4386 of the FAT4 protein (p.Ser4386Phe). This variant is present in population databases (rs772708041, gnomAD 0.003%). This variant has not been reported in the literature in individuals affected with FAT4-related conditions. ClinVar contains an entry for this variant (Variation ID: 3688274). Invitae Evidence Modeling of protein sequence and biophysical properties (such as structural, functional, and spatial information, amino acid conservation, physicochemical variation, residue mobility, and thermodynamic stability) indicates that this missense variant is not expected to disrupt FAT4 protein function with a negative predictive value of 95%. In summary, the available evidence is currently insufficient to determine the role of this variant in disease. Therefore, it has been classified as a Variant of Uncertain Significance.